The following is an entry in ClinVar:

NM_001291303.3(FAT4):c.9209C>A (p.Pro3070Gln)

Gene: FAT4 (FAT atypical cadherin 4; plus strand). Cytogenetic location: 4q28.1.
Variant type: single nucleotide variant.
Coding change: c.9209C>A on transcript NM_001291303.3 (MANE Select); coding-DNA position 9209, C replaced by A.
Protein change: p.Pro3070Gln; replaces proline 3070 with glutamine.
Molecular consequence: missense variant.
Genome position (GRCh38, 1-based): chr4:125,450,219, C>A. VCF-style: chr4-125450219-C-A. GRCh37 (hg19) VCF-style: chr4-126371374-C-A.
Other names: c.9209C>A, p.Pro3070Gln (NM_001291285.3); c.9203C>A, p.Pro3068Gln (NM_024582.6); short protein forms P3070Q, P3068Q.
Identifiers: ClinVar variation 3644168 (VCV003644168.2).

ClinVar aggregate classification (germline): Uncertain significance (1 of 4 stars; one submission).

gnomAD v4.1: 4 of 1,613,940 alleles (0.00025%); highest among the groups gnomAD compares: Non-Finnish European, 0.00034%; no homozygotes.

Submission:

Labcorp Genetics (formerly Invitae), Labcorp
Classification: Uncertain significance. Last evaluated: 2024-08-27. Review status: criteria provided, single submitter. Criteria: Invitae Variant Classification Sherloc (09022015). Collection method: clinical testing. Allele origin: germline.
Comment: This sequence change replaces proline, which is neutral and non-polar, with glutamine, which is neutral and polar, at codon 3068 of the FAT4 protein (p.Pro3068Gln). This variant is present in population databases (rs767617192, gnomAD 0.0009%). This variant has not been reported in the literature in individuals affected with FAT4-related conditions. Invitae Evidence Modeling of protein sequence and biophysical properties (such as structural, functional, and spatial information, amino acid conservation, physicochemical variation, residue mobility, and thermodynamic stability) indicates that this missense variant is not expected to disrupt FAT4 protein function with a negative predictive value of 80%. In summary, the available evidence is currently insufficient to determine the role of this variant in disease. Therefore, it has been classified as a Variant of Uncertain Significance.